The following is an entry in ClinVar:

NM_001374828.1(ARID1B):c.2286G>A (p.Thr762=)

Gene: ARID1B (AT-rich interaction domain 1B; plus strand). Cytogenetic location: 6q25.3.
Variant type: single nucleotide variant.
Coding change: c.2286G>A on transcript NM_001374828.1 (MANE Select); coding-DNA position 2286, G replaced by A.
Protein change: p.Thr762=; no amino-acid change (threonine 762 retained).
Molecular consequence: synonymous variant. On other transcripts: 5 prime UTR variant (1).
Genome position (GRCh38, 1-based): chr6:157,084,700, G>A. VCF-style: chr6-157084700-G-A. GRCh37 (hg19) VCF-style: chr6-157405834-G-A.
Other names: c.2076G>A (NM_020732.3); c.-214G>A (NM_001363725.2); c.2325G>A, p.Thr775= (NM_001371656.1, NM_001374820.1); c.2286G>A, p.Thr762= (NM_017519.3).
Identifiers: ClinVar variation 1267480 (VCV001267480.42), dbSNP rs6912981, ClinGen allele CA4067010.

ClinVar aggregate classification (germline): Benign/Likely benign. Review status: criteria provided, multiple submitters, no conflicts (2 of 4 stars). 6 submissions from 6 submitters: Benign (3); Likely benign (3). Last evaluated 2026-02-03.

Conditions:
Inborn genetic diseases. Identifiers: MedGen C0950123, MeSH D030342.

Allele frequency attached by ClinVar (database versions not stated): gnomAD exomes 0.00048; ExAC 0.00057; 1000 Genomes Project 0.00180; gnomAD 0.00181 and 0.00191; TOPMed 0.00214; ESP Exome Variant Server 0.00246.
gnomAD v4.1: 538 of 1,614,104 alleles (0.033%); highest among the groups gnomAD compares: African/African-American, 0.65%; no homozygotes.

Submissions (6):

Labcorp Genetics (formerly Invitae), Labcorp
Classification: Benign. Last evaluated: 2026-02-03. Review status: criteria provided, single submitter. Criteria: Invitae Variant Classification Sherloc (09022015). Collection method: clinical testing. Allele origin: germline.

CeGaT Center for Human Genetics Tuebingen
Classification: Likely benign. Last evaluated: 2025-07-01. Review status: criteria provided, single submitter. Criteria: CeGaT Center For Human Genetics Tuebingen Variant Classification Criteria Version 2. Collection method: clinical testing. Allele origin: germline. Affected: yes. Observed: 2 variant alleles.
Comment: ARID1B: BP4, BP7

Blueprint Genetics
Classification: Likely benign. Last evaluated: 2024-10-07. Review status: criteria provided, single submitter. Criteria: ACMG Guidelines, 2015. Collection method: clinical testing. Allele origin: germline.

Genetic Services Laboratory, University of Chicago
Classification: Benign. Last evaluated: 2019-07-03. Review status: criteria provided, single submitter. Criteria: ACMG Guidelines, 2015. Collection method: clinical testing. Allele origin: germline. Affected: no.

GeneDx
Classification: Benign. Last evaluated: 2019-05-28. Review status: criteria provided, single submitter. Criteria: GeneDx Variant Classification Process June 2021. Collection method: clinical testing. Allele origin: germline. Affected: yes.

Ambry Genetics
Classification: Likely benign for Inborn genetic diseases. Last evaluated: 2017-12-18. Review status: criteria provided, single submitter. Criteria: Ambry Variant Classification Scheme 2023. Collection method: clinical testing. Allele origin: germline.